The following is an entry in ClinVar:

ClinVar aggregate classification (germline): Pathogenic (1 of 4 stars; one submission).

Conditions:
Retinoblastoma (RB1). Also called: RETINOBLASTOMA, SOMATIC. Identifiers: Orphanet 790, MedGen C0035335, MeSH D012175, MONDO:0008380, OMIM 180200, HP:0009919. Disease mechanism: loss of function. Inheritance: Both sporadic and heritable forms are tested..

Submission:

Labcorp Genetics (formerly Invitae), Labcorp
Classification: Pathogenic for Retinoblastoma. Last evaluated: 2018-07-23. Review status: criteria provided, single submitter. Criteria: Invitae Variant Classification Sherloc (09022015). Collection method: clinical testing. Allele origin: germline.
Comment: This sequence change creates a premature translational stop signal (p.Met825Asnfs*13) in the RB1 gene. It is expected to result in an absent or disrupted protein product. This variant is not present in population databases (ExAC no frequency). This variant has not been reported in the literature in individuals with RB1-related disease. Loss-of-function variants in RB1 are known to be pathogenic (PMID: 17096365). For these reasons, this variant has been classified as Pathogenic.

Literature cited by the submitters: PubMed 17096365.

NM_000321.3(RB1):c.2473dup (p.Met825fs)

Gene: RB1 (RB transcriptional corepressor 1; plus strand). Cytogenetic location: 13q14.2.
Variant type: Duplication.
Coding change: c.2473dup on transcript NM_000321.3 (MANE Select); coding-DNA position 2473, one base duplicated (A; older notation c.2473dupA).
Protein change: p.Met825fs; shifts the reading frame from methionine 825.
Molecular consequence: frameshift variant.
Genome position (GRCh38, 1-based): chr13:48,465,352, A duplicated; the last of 5 consecutive A bases (chr13:48,465,348-48,465,352); duplicating any one gives the same sequence. VCF-style (leftmost placement, unchanged base first): chr13-48465347-C-CA. GRCh37 (hg19) VCF-style: chr13-49039483-C-CA.
Other names: c.2473dupA (NM_000321.2); short protein forms M825fs.
Identifiers: ClinVar variation 647483 (VCV000647483.7), dbSNP rs1593539538, ClinGen allele CA915948574.
Genomic context (GRCh38, chr13:48,465,347, plus strand): 5'-ACATCTATATTTCACCCCTGAAGAGTCCATATAAAATTTCAGAAGGTCTGCCAACACCAA[C>CA]AAAAATGACTCCAAGATCAAGGTGTGTGTTTTCTCTTTAGGGAAGTAGTAAAGAATGAGA-3'